The following is an entry in ClinVar:

NM_000094.4(COL7A1):c.6974A>G (p.Glu2325Gly)

Gene: COL7A1 (collagen type VII alpha 1 chain; minus strand). Cytogenetic location: 3p21.31.
Variant type: single nucleotide variant.
Coding change: c.6974A>G on transcript NM_000094.4 (MANE Select); coding-DNA position 6974, A replaced by G.
Protein change: p.Glu2325Gly; replaces glutamic acid 2325 with glycine.
Molecular consequence: missense variant.
Genome position (GRCh38, 1-based): chr3:48,572,384, T>C on the plus strand (A>G on the coding strand, the complement: COL7A1 is on the minus strand). VCF-style: chr3-48572384-T-C. GRCh37 (hg19) VCF-style: chr3-48609817-T-C.
Other names: p.Glu2325Gly; short protein forms E2325G.
Identifiers: ClinVar variation 4540868 (VCV004540868.1).
Genomic context (GRCh38, chr3:48,572,384, plus strand): 5'-GGCCACTGGAGAGACAGGACCCCCAGAACATCTGCTGTCAGAAGTTCCCTACTTACCGGC[T>C]CACCCACCAGGTCTCCAGCAAGGCCTCCAGGGGCTCCCTGGTAAGGGGGAGAGGTCAGTG-3'
Protein context (NP_000085.1, residues 2315-2335): PGGLAGDLVG[Glu2325Gly]PGAKGDRGLP

ClinVar aggregate classification (germline): Uncertain significance (1 of 4 stars; one submission).

gnomAD v4.1: 3 of 1,613,928 alleles (0.00019%); highest among the groups gnomAD compares: Non-Finnish European, 0.00025%; no homozygotes.

Submission:

Mayo Clinic Laboratories, Mayo Clinic
Classification: Uncertain significance. Last evaluated: 2025-12-03. Review status: criteria provided, single submitter. Criteria: ACMG Guidelines, 2015. Collection method: clinical testing. Allele origin: germline. Observed: 1 variant allele.
Comment: PM2_supporting

Literature cited by the submitters: PubMed 33974636.